The following is an entry in ClinVar:

ClinVar aggregate classification (germline): Benign/Likely benign. Review status: criteria provided, multiple submitters, no conflicts (2 of 4 stars). 2 submissions from 2 submitters: Benign (1); Likely benign (1). Last evaluated 2026-07-01.

Allele frequency attached by ClinVar (database versions not stated): 1000 Genomes Project 0.00060; 1000 Genomes Project 30x 0.00062; gnomAD exomes 0.00101 and 0.00172; TOPMed 0.00102; gnomAD 0.00113 and 0.00115; ESP Exome Variant Server 0.00185; ExAC 0.00257.
gnomAD v4.1: 2,609 of 1,590,188 alleles (0.16%); highest among the groups gnomAD compares: Non-Finnish European, 0.21%; 3 homozygotes.

Submissions (2):

CeGaT Center for Human Genetics Tuebingen
Classification: Likely benign. Last evaluated: 2026-07-01. Review status: criteria provided, single submitter. Criteria: CeGaT Center For Human Genetics Tuebingen Variant Classification Criteria Version 2. Collection method: clinical testing. Allele origin: germline. Affected: yes. Observed: 3 variant alleles.
Comment: RTL1: BP4, BP7

Labcorp Genetics (formerly Invitae), Labcorp
Classification: Benign. Last evaluated: 2019-12-31. Review status: criteria provided, single submitter. Criteria: Invitae Variant Classification Sherloc (09022015). Collection method: clinical testing. Allele origin: germline.

NM_001134888.3(RTL1):c.3771G>A (p.Gln1257=)

Genes: MIR431 (microRNA 431; plus strand), RTL1 (retrotransposon Gag like 1; minus strand). Cytogenetic location: 14q32.2.
Variant type: single nucleotide variant.
Coding change: c.3771G>A on transcript NM_001134888.3 (MANE Select); coding-DNA position 3771, G replaced by A.
Protein change: p.Gln1257=; no amino-acid change (glutamine 1257 retained).
Molecular consequence: synonymous variant. On other transcripts: non-coding transcript variant (1).
Genome position (GRCh38, 1-based): chr14:100,881,018, C>T on the plus strand (G>A on the coding strand, the complement: RTL1 is on the minus strand). VCF-style: chr14-100881018-C-T. GRCh37 (hg19) VCF-style: chr14-101347355-C-T.
Identifiers: ClinVar variation 711467 (VCV000711467.10), dbSNP rs76090066, ClinGen allele CA7347062.